The following is an entry in ClinVar:

NM_000535.7(PMS2):c.802dup (p.Tyr268fs)

Gene: PMS2 (PMS1 homolog 2, mismatch repair system component; minus strand). Cytogenetic location: 7p22.1.
Variant type: Duplication.
Coding change: c.802dup on transcript NM_000535.7 (MANE Select); coding-DNA position 802, one base duplicated (T; older notation c.802dupT).
Protein change: p.Tyr268fs; shifts the reading frame from tyrosine 268.
Molecular consequence: frameshift variant. On other transcripts: 5 prime UTR variant (2), non-coding transcript variant (1).
Genome position (GRCh38, 1-based): chr7:5,997,327, A duplicated on the plus strand (T on the coding strand, the reverse complement: PMS2 is on the minus strand); the first of 6 consecutive A bases (chr7:5,997,327-5,997,332); duplicating any one gives the same sequence. VCF-style (leftmost placement, unchanged base first): chr7-5997326-T-TA. GRCh37 (hg19) VCF-style: chr7-6036957-T-TA.
Other names: p.Tyr268LeufsX31; c.397dup, p.Tyr133fs (NM_001322003.2, NM_001322004.2, NM_001322005.2 and 2 more transcripts); c.802dup, p.Tyr268fs (NM_001322006.2, NM_001322014.2); c.484dup, p.Tyr162fs (NM_001322007.2, NM_001322008.2); c.-132dup (NM_001322011.2, NM_001322012.2); c.229dup, p.Tyr77fs (NM_001322013.2); c.493dup, p.Tyr165fs (NM_001322015.2); short protein forms Y133fs, Y162fs, Y77fs, Y268fs, Y165fs.
Identifiers: ClinVar variation 91369 (VCV000091369.24), dbSNP rs267608149, ClinGen allele CA331767.
Genomic context (GRCh38, chr7:5,997,326, plus strand): 5'-AAAAAAAAGCTCTCAGGATAAAATGTTCAATTGTAGTTCTCTTGCCAGCAATCTACTTAC[T>TA]AAAAAAGATTATGCAGAGCATCGGAACAGCTCAAACCGTACTCTTCACACACGGAGTCAC-3'

ClinVar aggregate classification (germline): Pathogenic. Review status: reviewed by expert panel (3 of 4 stars). 11 submissions from 11 submitters: Pathogenic (1). 10 of the submissions do not count toward it. Last evaluated 2013-09-05.

Conditions:
Lynch syndrome. Identifiers: Orphanet 144, MedGen C4552100, MONDO:0005835. Disease mechanism: loss of function.
Lynch syndrome 4 (LYNCH4). Also called: Colorectal cancer, hereditary nonpolyposis, type 4; Hereditary non-polyposis colorectal cancer, type 4. Identifiers: Orphanet 144, MedGen C1838333, MONDO:0013699, OMIM 614337. Disease mechanism: loss of function.
Hereditary nonpolyposis colorectal neoplasms. Identifiers: MedGen C0009405, MeSH D003123.
Hereditary nonpolyposis colon cancer (HNPCC). Also called: Hereditary nonpolyposis colorectal cancer; Familial nonpolyposis colon cancer; Hereditary Nonpolyposis Colorectal Cancer Syndrome. Identifiers: Orphanet 443909, MedGen C1333990, MONDO:0018630. Disease mechanism: loss of function.
Hereditary cancer-predisposing syndrome. Also called: Tumor predisposition; Hereditary Cancer Syndrome; Hereditary neoplastic syndrome; Neoplastic Syndromes, Hereditary. Identifiers: Orphanet 140162, MedGen C0027672, MeSH D009386, MONDO:0015356.

Submissions (11):

International Society for Gastrointestinal Hereditary Tumours (InSiGHT)
Classification: Pathogenic for Lynch Syndrome. Last evaluated: 2013-09-05. Review status: reviewed by expert panel. Criteria: Guidelines v1.9. Collection method: research. Allele origin: germline.
Comment: Coding sequence variation resulting in a stop codon

Classified with v1.9 guidelines

Labcorp Genetics (formerly Invitae), Labcorp
Classification: Pathogenic for Hereditary nonpolyposis colorectal neoplasms. Last evaluated: 2026-01-12. Review status: criteria provided, single submitter. Criteria: Invitae Variant Classification Sherloc (09022015). Collection method: clinical testing. Allele origin: germline. Not counted in ClinVar's aggregate classification.
Comment: This sequence change creates a premature translational stop signal (p.Tyr268Leufs*31) in the PMS2 gene. It is expected to result in an absent or disrupted protein product. Loss-of-function variants in PMS2 are known to be pathogenic (PMID: 21376568, 24362816). The frequency data for this variant in the population databases is considered unreliable, as metrics indicate poor data quality at this position in the gnomAD database. This premature translational stop signal has been observed in individual(s) with colorectal cancer (PMID: 18602922). This variant is also known as c.802_803insT. ClinVar contains an entry for this variant (Variation ID: 91369). For these reasons, this variant has been classified as Pathogenic.

Ambry Genetics
Classification: Pathogenic for Hereditary cancer-predisposing syndrome. Last evaluated: 2025-03-21. Review status: criteria provided, single submitter. Criteria: Ambry Variant Classification Scheme 2023. Collection method: clinical testing. Allele origin: germline. Not counted in ClinVar's aggregate classification.
Comment: The c.802dupT pathogenic mutation, located in coding exon 7 of the PMS2 gene, results from a duplication of T at nucleotide position 802, causing a translational frameshift with a predicted alternate stop codon (p.Y268Lfs*31). This mutation has been reported in at least one individual with a colorectal tumor demonstrating isolated loss of PMS2 by IHC (Senter L et al. Gastroenterology, 2008 Aug;135:419-28; Rosty C et al. BMJ Open 2016 Feb;6:e010293). Of note, this alteration is also designated as c.802_803insT in published literature. In addition to the clinical data presented in the literature, this alteration is expected to result in loss of function by premature protein truncation or nonsense-mediated mRNA decay. As such, this alteration is interpreted as a disease-causing mutation.

Molecular Pathology, Peter Maccallum Cancer Centre
Classification: Pathogenic for Lynch syndrome 4. Last evaluated: 2024-01-10. Review status: criteria provided, single submitter. Criteria: ACMG Guidelines, 2015. Collection method: clinical testing. Allele origin: germline. Inheritance: Autosomal dominant inheritance. Not counted in ClinVar's aggregate classification.

All of Us Research Program, National Institutes of Health
Classification: Pathogenic for Lynch syndrome. Last evaluated: 2023-12-13. Review status: criteria provided, single submitter. Criteria: ACMG Guidelines, 2015. Collection method: clinical testing. Allele origin: germline. Inheritance: Autosomal dominant inheritance. Observed: 1 variant allele, 1 heterozygote. Not counted in ClinVar's aggregate classification.
Comment: This variant inserts 1 nucleotide in exon 7 of the PMS2 gene, creating a premature translation stop signal. This variant is expected to result in an absent or non-functional protein product. This variant has been reported in individuals affected with colorectal cancer, with at least one individual's tumor demonstrating loss of PMS2 protein via immunohistochemistry analysis (PMID: 18602922, 25856668, 26895986). This variant has not been identified in the general population by the Genome Aggregation Database (gnomAD). Loss of PMS2 function is a known mechanism of disease. Based on the available evidence, this variant is classified as Pathogenic.

This study involves interpretation of variants in research participants for the purpose of population health screening. Participant phenotype was not available at the time of variant classification. Additional details can be found in publication PMID: 35346344, PMCID: PMC8962531

Color Diagnostics, LLC DBA Color Health
Classification: Pathogenic for Hereditary cancer-predisposing syndrome. Last evaluated: 2023-10-11. Review status: criteria provided, single submitter. Criteria: ACMG Guidelines, 2015. Collection method: clinical testing. Allele origin: germline. Not counted in ClinVar's aggregate classification.
Comment: This variant inserts 1 nucleotide in exon 7 of the PMS2 gene, creating a premature translation stop signal. This variant is expected to result in an absent or non-functional protein product. This variant has been reported in individuals affected with colorectal cancer, with at least one individual's tumor demonstrating loss of PMS2 protein via immunohistochemistry analysis (PMID: 18602922, 25856668, 26895986). This variant has not been identified in the general population by the Genome Aggregation Database (gnomAD). Loss of PMS2 function is a known mechanism of disease. Based on the available evidence, this variant is classified as Pathogenic.

Myriad Genetics, Inc.
Classification: Pathogenic for Lynch syndrome 4. Last evaluated: 2023-09-19. Review status: criteria provided, single submitter. Criteria: Myriad Autosomal Dominant, Autosomal Recessive and X-Linked Classification Criteria (2023). Collection method: clinical testing. Allele origin: unknown. Not counted in ClinVar's aggregate classification.
Comment: This variant is considered pathogenic. This variant creates a frameshift predicted to result in premature protein truncation.

GeneDx
Classification: Pathogenic. Last evaluated: 2023-06-20. Review status: criteria provided, single submitter. Criteria: GeneDx Variant Classification Process June 2021. Collection method: clinical testing. Allele origin: germline. Affected: yes. Not counted in ClinVar's aggregate classification.
Comment: Frameshift variant predicted to result in protein truncation or nonsense mediated decay in a gene for which loss of function is a known mechanism of disease; Not observed at significant frequency in large population cohorts (gnomAD); Observed in an individual with colorectal cancer (Senter et al., 2008); Truncating variants in this gene are considered pathogenic by a well-established clinical consortium and/or database; Also known as c.802_803insT; This variant is associated with the following publications: (PMID: 26895986, 31447099, 18602922, 25856668, 22949379, 24362816, 29922827, 33087929)

Women's Health and Genetics/Laboratory Corporation of America, LabCorp
Classification: Pathogenic for Hereditary nonpolyposis colon cancer. Last evaluated: 2022-11-07. Review status: criteria provided, single submitter. Criteria: LabCorp Variant Classification Summary - May 2015. Collection method: clinical testing. Allele origin: germline. Not counted in ClinVar's aggregate classification.
Comment: Variant summary: PMS2 c.802dupT (p.Tyr268LeufsX31) results in a premature termination codon, predicted to cause a truncation of the encoded protein or absence of the protein due to nonsense mediated decay, which are commonly known mechanisms for disease. Truncations downstream of this position have been classified as pathogenic by our laboratory. The variant allele was found at a frequency of 8e-06 in 248746 control chromosomes. c.802dupT has been reported in the literature in individuals affected with Hereditary Nonpolyposis Colorectal Cancer. These data indicate that the variant may be associated with disease. Two clinical diagnostic laboratories have submitted clinical-significance assessments for this variant to ClinVar after 2014 without evidence for independent evaluation. Both laboratories classified the variant as pathogenic. Based on the evidence outlined above, the variant was classified as pathogenic.

Revvity Omics, Revvity
Classification: Pathogenic. Last evaluated: 2022-08-22. Review status: criteria provided, single submitter. Criteria: ACMG Guidelines, 2015. Collection method: clinical testing. Allele origin: germline. Not counted in ClinVar's aggregate classification.

Laboratory for Molecular Medicine, Mass General Brigham Personalized Medicine
Classification: Pathogenic for Lynch syndrome. Last evaluated: 2017-12-14. Review status: criteria provided, single submitter. Criteria: LMM Criteria. Collection method: clinical testing. Allele origin: germline. Inheritance: Autosomal dominant inheritance. Observed: 1 variant allele. Not counted in ClinVar's aggregate classification.
Comment: The p.Tyr268fs variant in PMS2 has been reported in at least 1 individual with P MS2-associated cancer and absence of PMS2 by IHC in the tumor (Senter 2008, Rost y 2016). It was also identified in 1/30264 South Asian and 1/110626 European chr omosomes by the Genome Aggregation Database (gnomAD). This variant is predicted to cause a frameshift, which alters the protei n?s amino acid sequence beginning at position 268 and leads to a premature termi nation codon 31 amino acids downstream. This alteration is then predicted to lea d to a truncated or absent protein. Heterozygous loss of function of the PMS2 ge ne is an established disease mechanism in Lynch syndrome. In addition, this vari ant was classified as Pathogenic on September 5, 2013 by the ClinGen-approved In SIGHT expert panel (ClinVar SCV000108384.2). In summary, this variant meets crit eria to be classified as pathogenic for Lynch syndrome in an autosomal dominant based upon predicted impact on protein. ACMG/AMP Criteria applied: PVS1, PM2, PP 4.

Literature cited by the submitters: PubMed 21376568 (cited by Labcorp Genetics (formerly Invitae), Labcorp); PubMed 24362816 (cited by Labcorp Genetics (formerly Invitae), Labcorp); PubMed 18602922 (cited by 6 submitters); PubMed 26895986 (cited by 4 submitters); PubMed 25856668 (cited by 3 submitters); PubMed 22949379 (cited by Women's Health and Genetics/Laboratory Corporation of America, LabCorp); PubMed 25274553 (cited by Women's Health and Genetics/Laboratory Corporation of America, LabCorp).